The following is an entry in ClinVar:

NM_004706.4(ARHGEF1):c.-3G>C

Gene: ARHGEF1 (Rho guanine nucleotide exchange factor 1; plus strand). Cytogenetic location: 19q13.2.
Variant type: single nucleotide variant.
Coding change: c.-3G>C on transcript NM_004706.4 (MANE Select); 3 bases upstream of the start codon, G replaced by C.
Molecular consequence: 5 prime UTR variant. On other transcripts: missense variant (1), non-coding transcript variant (2).
Genome position (GRCh38, 1-based): chr19:41,888,080, G>C. VCF-style: chr19-41888080-G-C. GRCh37 (hg19) VCF-style: chr19-42392151-G-C.
Other names: c.-3G>C (NM_001396000.1, NM_001396002.1, NM_001396003.1 and 3 more transcripts); c.43G>C, p.Glu15Gln (NM_199002.2); short protein forms E15Q.
Identifiers: ClinVar variation 2113428 (VCV002113428.4), dbSNP rs2074321878, ClinGen allele CA406042219.
Genomic context (GRCh38, chr19:41,888,080, plus strand): 5'-GCCTCCTCCCACCCTCCTAACCACAGCCCCTCCTCTTCCTCCAGCCCTGCAGAGCCCAGG[G>C]AGATGGAAGACTTCGCCCGAGGGGCGGTGAGTGGACAGAGCAAGGGGTGAGGCGACTCTG-3'

ClinVar aggregate classification (germline): Uncertain significance (1 of 4 stars; one submission).

Allele frequency attached by ClinVar (database versions not stated): gnomAD 0.00001.
gnomAD v4.1: 1 of 1,613,046 alleles (0.000062%); highest among the groups gnomAD compares: African/African-American, 0.0013%; no homozygotes.

Submission:

Labcorp Genetics (formerly Invitae), Labcorp
Classification: Uncertain significance. Last evaluated: 2024-02-17. Review status: criteria provided, single submitter. Criteria: Invitae Variant Classification Sherloc (09022015). Collection method: clinical testing. Allele origin: germline.
Comment: This sequence change replaces glutamic acid, which is acidic and polar, with glutamine, which is neutral and polar, at codon 15 of the ARHGEF1 protein (p.Glu15Gln). This variant is not present in population databases (gnomAD no frequency). This variant has not been reported in the literature in individuals affected with ARHGEF1-related conditions. ClinVar contains an entry for this variant (Variation ID: 2113428). Algorithms developed to predict the effect of missense changes on protein structure and function output the following: SIFT: "Not Available"; PolyPhen-2: "Benign"; Align-GVGD: "Not Available". The glutamine amino acid residue is found in multiple mammalian species, which suggests that this missense change does not adversely affect protein function. In summary, the available evidence is currently insufficient to determine the role of this variant in disease. Therefore, it has been classified as a Variant of Uncertain Significance.